The following is an entry in ClinVar:

NM_025137.4(SPG11):c.4534dup (p.Asp1512fs)

Gene: SPG11 (SPG11 vesicle trafficking associated, spatacsin; minus strand). Cytogenetic location: 15q21.1.
Variant type: Duplication.
Coding change: c.4534dup on transcript NM_025137.4 (MANE Select); coding-DNA position 4534, one base duplicated (G; older notation c.4534dupG).
Protein change: p.Asp1512fs; shifts the reading frame from aspartic acid 1512.
Molecular consequence: frameshift variant.
Genome position (GRCh38, 1-based): chr15:44,595,360, C duplicated on the plus strand (G on the coding strand, the reverse complement: SPG11 is on the minus strand); the first of 2 consecutive C bases (chr15:44,595,360-44,595,361); duplicating either gives the same sequence. VCF-style (leftmost placement, unchanged base first): chr15-44595359-T-TC. GRCh37 (hg19) VCF-style: chr15-44887557-T-TC.
Other names: c.4534dup, p.Asp1512fs (NM_001160227.2, NM_001411132.1); short protein forms D1512fs.
Identifiers: ClinVar variation 2910372 (VCV002910372.3), dbSNP rs2505361735, ClinGen allele CA2695220434.

ClinVar aggregate classification (germline): Pathogenic (1 of 4 stars; one submission).

Conditions:
Hereditary spastic paraplegia 11. Also called: Nakamura Osame syndrome; Autosomal recessive hereditary spastic paraplegia, mental impairment, and thin corpus callosum; SPASTIC PARAPLEGIA, AUTOSOMAL RECESSIVE, COMPLICATED, WITH THIN CORPUS CALLOSUM; SPASTIC PARAPLEGIA, AUTOSOMAL RECESSIVE, WITH MENTAL IMPAIRMENT AND THIN CORPUS CALLOSUM; Spastic paraplegia, mental retardation and thin corpus callosum; Spastic Paraplegia 11. Identifiers: Orphanet 2822, MedGen C1858479, MONDO:0011445, OMIM 604360.

Submission:

Labcorp Genetics (formerly Invitae), Labcorp
Classification: Pathogenic for Hereditary spastic paraplegia 11. Last evaluated: 2025-04-21. Review status: criteria provided, single submitter. Criteria: Invitae Variant Classification Sherloc (09022015). Collection method: clinical testing. Allele origin: germline.
Comment: This sequence change creates a premature translational stop signal (p.Asp1512Glyfs*7) in the SPG11 gene. It is expected to result in an absent or disrupted protein product. Loss-of-function variants in SPG11 are known to be pathogenic (PMID: 19105190, 20110243, 22154821, 26556829). This variant is not present in population databases (gnomAD no frequency). This premature translational stop signal has been observed in individual(s) with clinical features of SPG11-related conditions (PMID: 29970488). ClinVar contains an entry for this variant (Variation ID: 2910372). For these reasons, this variant has been classified as Pathogenic.

Literature cited by the submitters: PubMed 19105190; PubMed 20110243; PubMed 22154821; PubMed 26556829; PubMed 29970488.